The following is an entry in ClinVar:

ClinVar aggregate classification (germline): Uncertain significance (1 of 4 stars; one submission).

Conditions:
Myofibrillar myopathy 5. Also called: Filaminopathy (type); FILAMINOPATHY, AUTOSOMAL DOMINANT. Identifiers: Orphanet 171445, MedGen C1836050, MONDO:0012289, OMIM 609524.
Hypertrophic cardiomyopathy 26. Also called: Cardiomyopathy, familial hypertrophic, 26. Identifiers: Orphanet 75249, MedGen C4310749, MONDO:0014883, OMIM 617047.
Distal myopathy with posterior leg and anterior hand involvement. Also called: WILLIAMS DISTAL MYOPATHY. Identifiers: Orphanet 63273, MedGen C3279722, MONDO:0013550, OMIM 614065.

Allele frequency attached by ClinVar (database versions not stated): gnomAD exomes below 0.00001; TOPMed below 0.00001.
gnomAD v4.1: 1 of 1,612,272 alleles (0.000062%); highest among the groups gnomAD compares: African/African-American, 0.0013%; no homozygotes.

Submission:

Labcorp Genetics (formerly Invitae), Labcorp
Classification: Uncertain significance for Distal myopathy with posterior leg and anterior hand involvement; Myofibrillar myopathy 5; Hypertrophic cardiomyopathy 26. Last evaluated: 2022-07-19. Review status: criteria provided, single submitter. Criteria: Invitae Variant Classification Sherloc (09022015). Collection method: clinical testing. Allele origin: germline.
Comment: In summary, the available evidence is currently insufficient to determine the role of this variant in disease. Therefore, it has been classified as a Variant of Uncertain Significance. Algorithms developed to predict the effect of missense changes on protein structure and function output the following: SIFT: "Tolerated"; PolyPhen-2: "Benign"; Align-GVGD: "Class C0". The serine amino acid residue is found in multiple mammalian species, which suggests that this missense change does not adversely affect protein function. ClinVar contains an entry for this variant (Variation ID: 838894). This variant has not been reported in the literature in individuals affected with FLNC-related conditions. This variant is not present in population databases (gnomAD no frequency). This sequence change replaces glycine, which is neutral and non-polar, with serine, which is neutral and polar, at codon 6 of the FLNC protein (p.Gly6Ser).

NM_001458.5(FLNC):c.16G>A (p.Gly6Ser)

Gene: FLNC (filamin C; plus strand). Cytogenetic location: 7q32.1.
Variant type: single nucleotide variant.
Coding change: c.16G>A on transcript NM_001458.5 (MANE Select); coding-DNA position 16, G replaced by A.
Protein change: p.Gly6Ser; replaces glycine 6 with serine.
Molecular consequence: missense variant.
Genome position (GRCh38, 1-based): chr7:128,830,653, G>A. VCF-style: chr7-128830653-G-A. GRCh37 (hg19) VCF-style: chr7-128470707-G-A.
Other names: c.16G>A, p.Gly6Ser (NM_001127487.2); short protein forms G6S.
Identifiers: ClinVar variation 838894 (VCV000838894.10), dbSNP rs1284761356, ClinGen allele CA369215404.